The following is an entry in ClinVar:

NM_001368894.2(PAX6):c.109del (p.Ala37fs)

Gene: PAX6 (paired box 6; minus strand). Cytogenetic location: 11p13.
Variant type: Deletion.
Coding change: c.109del on transcript NM_001368894.2 (MANE Select); coding-DNA position 109, one base deleted (G; older notation c.109delG).
Protein change: p.Ala37fs; shifts the reading frame from alanine 37.
Molecular consequence: frameshift variant. On other transcripts: 5 prime UTR variant (12), non-coding transcript variant (2), intron variant (2).
Genome position (GRCh38, 1-based): chr11:31,802,736, C deleted on the plus strand (G on the coding strand, the reverse complement: PAX6 is on the minus strand); the first of 4 consecutive C bases (chr11:31,802,736-31,802,739); deleting any one gives the same sequence. VCF-style (leftmost placement, unchanged base first): chr11-31802735-GC-G. GRCh37 (hg19) VCF-style: chr11-31824283-GC-G.
Other names: c.109del (NM_000280.3); c.109del, p.Ala37fs (NM_000280.6, NM_001127612.3, NM_001258462.3 and 30 more transcripts); c.-673del (NM_001310160.2, NM_001368905.2); c.-342del (NM_001310161.3, NM_001368900.2, NM_001368903.2 and 2 more transcripts); c.-300del (NM_001368899.2, NM_001368901.2, NM_001368906.2 and 1 more transcripts); c.-631del (NM_001368902.2); c.352del, p.Ala118fs (NM_001368910.2); c.112del, p.Ala38fs (NM_001368911.2); and 1 more; short protein forms A38fs, A118fs, A37fs.
Identifiers: ClinVar variation 372438 (VCV000372438.15), dbSNP rs1057517780, ClinGen allele CA16042845.

ClinVar aggregate classification (germline): Pathogenic. Review status: criteria provided, multiple submitters, no conflicts (2 of 4 stars). 3 submissions from 3 submitters: Pathogenic (3). Last evaluated 2025-06-03.

Conditions:
PAX6-related disorder. Also called: PAX6-related disorders; PAX6-related condition.
Irido-corneo-trabecular dysgenesis (ASGD5). Also called: ANTERIOR SEGMENT DYSGENESIS 5. Identifiers: Orphanet 708, MedGen C0344559, MONDO:0011414, OMIM 604229, HP:0000659.
Aniridia 1 (AN1). Identifiers: Orphanet 250923, MedGen C0344542, MONDO:0024507, OMIM 106210.

Submissions (3):

GeneDx
Classification: Pathogenic. Last evaluated: 2025-06-03. Review status: criteria provided, single submitter. Criteria: GeneDx Variant Classification Process June 2021. Collection method: clinical testing. Allele origin: germline. Affected: yes.
Comment: Frameshift variant predicted to result in protein truncation or nonsense mediated decay in a gene for which loss of function is a known mechanism of disease; Not observed at significant frequency in large population cohorts (gnomAD); Also known as c.468delG; This variant is associated with the following publications: (PMID: 11479730, 20132240, 36729443, 37337769, 36140798, 38002984, 38459225)

Labcorp Genetics (formerly Invitae), Labcorp
Classification: Pathogenic for Aniridia 1; Irido-corneo-trabecular dysgenesis. Last evaluated: 2024-10-23. Review status: criteria provided, single submitter. Criteria: Invitae Variant Classification Sherloc (09022015). Collection method: clinical testing. Allele origin: germline.
Comment: This sequence change creates a premature translational stop signal (p.Ala37Profs*17) in the PAX6 gene. It is expected to result in an absent or disrupted protein product. Loss-of-function variants in PAX6 are known to be pathogenic (PMID: 12634864). This variant is not present in population databases (gnomAD no frequency). This premature translational stop signal has been observed in individual(s) with aniridia (PMID: 11479730, 21423868). This variant is also known as 468delG. ClinVar contains an entry for this variant (Variation ID: 372438). For these reasons, this variant has been classified as Pathogenic.

Blueprint Genetics
Classification: Pathogenic for PAX6-related disorders. Last evaluated: 2024-10-08. Review status: criteria provided, single submitter. Criteria: ACMG Guidelines, 2015. Collection method: clinical testing. Allele origin: germline. Affected: yes. Observed: 2 variant alleles.

Literature cited by the submitters: PubMed 12634864 (cited by Labcorp Genetics (formerly Invitae), Labcorp); PubMed 11479730 (cited by Labcorp Genetics (formerly Invitae), Labcorp); PubMed 21423868 (cited by Labcorp Genetics (formerly Invitae), Labcorp).